The following is an entry in ClinVar:

ClinVar aggregate classification (germline): Uncertain significance (1 of 4 stars; one submission).

Submission:

Labcorp Genetics (formerly Invitae), Labcorp
Classification: Uncertain significance. Last evaluated: 2022-07-25. Review status: criteria provided, single submitter. Criteria: Invitae Variant Classification Sherloc (09022015). Collection method: clinical testing. Allele origin: germline.
Comment: In summary, the available evidence is currently insufficient to determine the role of this variant in disease. Therefore, it has been classified as a Variant of Uncertain Significance. Algorithms developed to predict the effect of missense changes on protein structure and function (SIFT, PolyPhen-2, Align-GVGD) all suggest that this variant is likely to be tolerated. This variant has not been reported in the literature in individuals affected with MECR-related conditions. This variant is not present in population databases (gnomAD no frequency). This sequence change replaces alanine, which is neutral and non-polar, with glycine, which is neutral and non-polar, at codon 23 of the MECR protein (p.Ala23Gly).

NM_016011.5(MECR):c.68C>G (p.Ala23Gly)

Gene: MECR (mitochondrial trans-2-enoyl-CoA reductase; minus strand). Cytogenetic location: 1p35.3.
Variant type: single nucleotide variant.
Coding change: c.68C>G on transcript NM_016011.5 (MANE Select); coding-DNA position 68, C replaced by G.
Protein change: p.Ala23Gly; replaces alanine 23 with glycine.
Molecular consequence: missense variant. On other transcripts: 5 prime UTR variant (6), non-coding transcript variant (4).
Genome position (GRCh38, 1-based): chr1:29,230,839, G>C on the plus strand (C>G on the coding strand, the complement: MECR is on the minus strand). VCF-style: chr1-29230839-G-C. GRCh37 (hg19) VCF-style: chr1-29557351-G-C.
Other names: c.-288C>G (NM_001024732.4); c.-492C>G (NM_001349711.2); c.-493C>G (NM_001349712.2); c.-370C>G (NM_001349713.2); c.-282C>G (NM_001349714.2); c.68C>G, p.Ala23Gly (NM_001349715.2, NM_001349716.2); c.-75C>G (NM_001349717.2); short protein forms A23G.
Identifiers: ClinVar variation 2019687 (VCV002019687.4), dbSNP rs1161603443, ClinGen allele CA339533555.
Genomic context (GRCh38, chr1:29,230,839, plus strand): 5'-ACCCGGGCAGGCTCGGCGGATGCGGAGTAGGAGGAGGCGGCAGGTCCGTGACAGCCAGAA[G>C]CTGGGAGCAGCCCCCGCCACTGCCGGGCGGGGGTTCGCACCCGCCACAGGGTACTGCAGA-3'
Protein context (NP_057095.4, residues 13-33): PARQWRGLLP[Ala23Gly]SGCHGPAASS